The following is an entry in ClinVar:

NM_030665.4(RAI1):c.4313G>C (p.Gly1438Ala)

Gene: RAI1 (retinoic acid induced 1; plus strand). Cytogenetic location: 17p11.2.
Variant type: single nucleotide variant.
Coding change: c.4313G>C on transcript NM_030665.4 (MANE Select); coding-DNA position 4313, G replaced by C.
Protein change: p.Gly1438Ala; replaces glycine 1438 with alanine.
Molecular consequence: missense variant.
Genome position (GRCh38, 1-based): chr17:17,797,261, G>C. VCF-style: chr17-17797261-G-C. GRCh37 (hg19) VCF-style: chr17-17700575-G-C.
Other names: short protein forms G1438A.
Identifiers: ClinVar variation 1396206 (VCV001396206.9), dbSNP rs781252626, ClinGen allele CA8418934.

ClinVar aggregate classification (germline): Conflicting classifications of pathogenicity. Review status: criteria provided, conflicting classifications (1 of 4 stars). 3 submissions from 3 submitters: Uncertain significance (2); Benign (1). Last evaluated 2025-12-28.

Conditions:
RAI1-related disorder. Also called: RAI1-related condition.
Inborn genetic diseases. Identifiers: MedGen C0950123, MeSH D030342.

Allele frequency attached by ClinVar (database versions not stated): TOPMed 0.00002.
gnomAD v4.1: 26 of 1,613,066 alleles (0.0016%); highest among the groups gnomAD compares: Admixed American, 0.017%; no homozygotes.

Submissions (3):

PreventionGenetics, part of Exact Sciences
Classification: Uncertain significance for RAI1-related condition. Last evaluated: 2025-12-28. Review status: criteria provided, single submitter. Criteria: ACMG Guidelines, 2015. Collection method: clinical testing. Allele origin: germline.
Comment: The RAI1 c.4313G>C variant is predicted to result in the amino acid substitution p.Gly1438Ala. To our knowledge, this variant has not been reported in the literature. This variant is reported in 0.020% of alleles in individuals of Ashkenazi Jewish descent in gnomAD. This variant has conflicting classifications listed in ClinVar ranging from benign to uncertain (Variation ID: 1396206). Although we suspect that this variant may be benign, at this time, the clinical significance of this variant is uncertain due to the absence of conclusive functional and genetic evidence.

Labcorp Genetics (formerly Invitae), Labcorp
Classification: Benign. Last evaluated: 2025-03-19. Review status: criteria provided, single submitter. Criteria: Invitae Variant Classification Sherloc (09022015). Collection method: clinical testing. Allele origin: germline.

Ambry Genetics
Classification: Uncertain significance for Inborn genetic diseases. Last evaluated: 2018-07-16. Review status: criteria provided, single submitter. Criteria: Ambry Variant Classification Scheme 2023. Collection method: clinical testing. Allele origin: germline.
Comment: The p.G1438A variant (also known as c.4313G>C), located in coding exon 1 of the RAI1 gene, results from a G to C substitution at nucleotide position 4313. The glycine at codon 1438 is replaced by alanine, an amino acid with similar properties. This amino acid position is not well conserved in available vertebrate species. In addition, this alteration is predicted to be tolerated by in silico analysis. Since supporting evidence is limited at this time, the clinical significance of this alteration remains unclear.